The following is an entry in ClinVar:

NM_182925.5(FLT4):c.3400A>C (p.Met1134Leu)

Gene: FLT4 (fms related receptor tyrosine kinase 4; minus strand). Cytogenetic location: 5q35.3.
Variant type: single nucleotide variant.
Coding change: c.3400A>C on transcript NM_182925.5 (MANE Select); coding-DNA position 3400, A replaced by C.
Protein change: p.Met1134Leu; replaces methionine 1134 with leucine.
Molecular consequence: missense variant.
Genome position (GRCh38, 1-based): chr5:180,613,042, T>G on the plus strand (A>C on the coding strand, the complement: FLT4 is on the minus strand). VCF-style: chr5-180613042-T-G. GRCh37 (hg19) VCF-style: chr5-180040042-T-G.
Other names: c.3400A>C, p.Met1134Leu (NM_001354989.2, NM_002020.5); short protein forms M1134L.
Identifiers: ClinVar variation 5006882 (VCV005006882.2).

ClinVar aggregate classification (germline): Uncertain significance (1 of 4 stars; one submission).

Conditions:
Congenital heart defects, multiple types, 7. Identifiers: MedGen C5394062, MONDO:0032913, OMIM 618780.
Hereditary lymphedema type I (LMPHM1). Also called: Nonne-Milroy disease; Congenital hereditary lymphedema; Early onset lymphedema; Hereditary lymphedema 1; Primary congenital lymphedema; Meige's disease. Identifiers: Orphanet 79452, MedGen C1704423, MONDO:0007919, OMIM 153100.
Capillary infantile hemangioma. Also called: HEMANGIOMA, HEREDITARY CAPILLARY; Hereditary capillary infantile hemangioma; Hemangioma, capillary infantile, somatic. Identifiers: MedGen C1865871, MONDO:0011191, OMIM 602089.

Submission:

Juno Genomics, Hangzhou Juno Genomics, Inc
Classification: Uncertain significance for Congenital heart defects, multiple types, 7; Capillary infantile hemangioma; Hereditary lymphedema type I. Review status: criteria provided, single submitter. Criteria: ACMG Guidelines, 2015. Collection method: clinical testing. Allele origin: germline.
Comment: Absent from controls (or at extremely low frequency if recessive) in Genome Aggregation Database.;Multiple lines of computational evidence support a deleterious effect on the gene or gene product.